The following is an entry in ClinVar:

ClinVar aggregate classification (germline): Benign/Likely benign. Review status: criteria provided, multiple submitters, no conflicts (2 of 4 stars). 3 submissions from 3 submitters: Benign (1); Likely benign (2). Last evaluated 2024-10-04.

Conditions:
Hereditary cancer-predisposing syndrome. Also called: Tumor predisposition; Hereditary Cancer Syndrome; Hereditary neoplastic syndrome; Neoplastic Syndromes, Hereditary. Identifiers: Orphanet 140162, MedGen C0027672, MeSH D009386, MONDO:0015356.
Familial cancer of breast. Also called: BREAST CANCER, FAMILIAL; Hereditary breast cancer; hereditary breast carcinoma. Identifiers: Orphanet 227535, MedGen C0346153, MONDO:0016419, OMIM 114480. Disease mechanism: loss of function.

gnomAD v4.1: 2 of 1,613,262 alleles (0.00012%); highest among the groups gnomAD compares: South Asian, 0.0011%; no homozygotes.

Submissions (3):

Myriad Genetics, Inc.
Classification: Benign for Familial cancer of breast. Last evaluated: 2024-10-04. Review status: criteria provided, single submitter. Criteria: Myriad Autosomal Dominant, Autosomal Recessive and X-Linked Classification Criteria (2023). Collection method: clinical testing. Allele origin: unknown.
Comment: This variant is considered benign. This variant is a silent/synonymous amino acid change and it is not expected to impact splicing.

Labcorp Genetics (formerly Invitae), Labcorp
Classification: Likely benign for Familial cancer of breast. Last evaluated: 2024-04-30. Review status: criteria provided, single submitter. Criteria: Invitae Variant Classification Sherloc (09022015). Collection method: clinical testing. Allele origin: germline.

Ambry Genetics
Classification: Likely benign for Hereditary cancer-predisposing syndrome. Last evaluated: 2016-12-14. Review status: criteria provided, single submitter. Criteria: Ambry Variant Classification Scheme 2023. Collection method: clinical testing. Allele origin: germline.

NM_007194.4(CHEK2):c.1063C>T (p.Leu355=)

Gene: CHEK2 (checkpoint kinase 2; minus strand). Cytogenetic location: 22q12.1.
Variant type: single nucleotide variant.
Coding change: c.1063C>T on transcript NM_007194.4 (MANE Select); coding-DNA position 1063, C replaced by T.
Protein change: p.Leu355=; no amino-acid change (leucine 355 retained).
Molecular consequence: synonymous variant. On other transcripts: intron variant (3).
Genome position (GRCh38, 1-based): chr22:28,696,933, G>A on the plus strand (C>T on the coding strand, the complement: CHEK2 is on the minus strand). VCF-style: chr22-28696933-G-A. GRCh37 (hg19) VCF-style: chr22-29092921-G-A.
Other names: c.1192C>T, p.Leu398= (NM_001005735.3); c.400C>T, p.Leu134= (NM_001257387.3, NM_001437942.1); c.862C>T, p.Leu288= (NM_001349956.3); c.1156C>T, p.Leu386= (NM_001438293.1); c.1009-1060C>T (NM_145862.3); c.1102-1060C>T (NM_001438295.1); c.1138-1060C>T (NM_001438294.1).
Identifiers: ClinVar variation 183874 (VCV000183874.18), dbSNP rs786201130, ClinGen allele CA186833.